The following is an entry in ClinVar:

ClinVar aggregate classification (germline): Uncertain significance (1 of 4 stars; one submission).

Submission:

Ambry Genetics
Classification: Uncertain significance. Last evaluated: 2026-08-25. Review status: criteria provided, single submitter. Criteria: Ambry Variant Classification Scheme 2023. Collection method: clinical testing. Allele origin: germline.
Comment: The c.1745+4T>C intronic variant results from a T to C substitution 4 nucleotides after coding exon 8 in the ATRIP gene. This nucleotide position is not well conserved in available vertebrate species. In silico splice site analysis predicts that this alteration will not have any significant effect on splicing. The evidence for this gene-disease relationship is limited; therefore, the clinical significance of this variant is unclear.

NM_130384.3(ATRIP):c.1745+4T>C

Genes: ATRIP (ATR interacting protein; plus strand), ATRIP-TREX1 (ATRIP-TREX1 readthrough; plus strand). Cytogenetic location: 3p21.31.
Variant type: single nucleotide variant.
Coding change: c.1745+4T>C on transcript NM_130384.3 (MANE Select); 4 bases into the intron after coding-DNA position 1745, T replaced by C.
Molecular consequence: intron variant.
Genome position (GRCh38, 1-based): chr3:48,460,803, T>C. VCF-style: chr3-48460803-T-C. GRCh37 (hg19) VCF-style: chr3-48502202-T-C.
Other names: c.1745+4T>C (NM_032166.4); c.1364+4T>C (NM_001271022.2); c.1466+4T>C (NM_001271023.2).
Identifiers: ClinVar variation 5032397 (VCV005032397.1).
Genomic context (GRCh38, chr3:48,460,803, plus strand): 5'-GTGCCTTAAGGTTTTGGTGAAATTAGCCGAAAACACTTCCTGTGATTTCTTGCCCAGGTA[T>C]TAAGCTGCATAGGAGTCATGATTCTTTGTGGGTCTCACCTGACCTCTTAAGGTCTAACCC-3'